The following is an entry in ClinVar:

NM_000548.5(TSC2):c.3347C>T (p.Ala1116Val)

Gene: TSC2 (TSC complex subunit 2; plus strand). Cytogenetic location: 16p13.3.
Variant type: single nucleotide variant.
Coding change: c.3347C>T on transcript NM_000548.5 (MANE Select); coding-DNA position 3347, C replaced by T.
Protein change: p.Ala1116Val; replaces alanine 1116 with valine.
Molecular consequence: missense variant.
Genome position (GRCh38, 1-based): chr16:2,079,619, C>T. VCF-style: chr16-2079619-C-T. GRCh37 (hg19) VCF-style: chr16-2129620-C-T.
Other names: c.3215C>T, p.Ala1072Val (NM_001077183.3, NM_001370404.1); c.3347C>T, p.Ala1116Val (NM_001114382.3); c.3107C>T, p.Ala1036Val (NM_001318827.2); c.3071C>T, p.Ala1024Val (NM_001318829.2); c.2615C>T, p.Ala872Val (NM_001318831.2); c.3248C>T, p.Ala1083Val (NM_001318832.2); c.3218C>T, p.Ala1073Val (NM_001363528.2, NM_001370405.1, NM_021055.3); short protein forms A1116V, A1024V, A1083V, A1036V, A1072V, A1073V, A872V.
Identifiers: ClinVar variation 282965 (VCV000282965.17), dbSNP rs878854092, ClinGen allele CA10604356.

ClinVar aggregate classification (germline): Uncertain significance. Review status: criteria provided, multiple submitters, no conflicts (2 of 4 stars). 4 submissions from 4 submitters: Uncertain significance (4). Last evaluated 2025-10-14.

Conditions:
Tuberous sclerosis 2 (TSC2). Identifiers: Orphanet 805, MedGen C1860707, MONDO:0013199, OMIM 613254.
Hereditary cancer-predisposing syndrome. Also called: Hereditary neoplastic syndrome; Neoplastic Syndromes, Hereditary; Tumor predisposition; Hereditary Cancer Syndrome. Identifiers: Orphanet 140162, MedGen C0027672, MeSH D009386, MONDO:0015356.

gnomAD v4.1: 1 of 1,610,900 alleles (0.000062%); no homozygotes.

Submissions (4):

Labcorp Genetics (formerly Invitae), Labcorp
Classification: Uncertain significance for Tuberous sclerosis 2. Last evaluated: 2025-10-14. Review status: criteria provided, single submitter. Criteria: Invitae Variant Classification Sherloc (09022015). Collection method: clinical testing. Allele origin: germline.
Comment: This sequence change replaces alanine, which is neutral and non-polar, with valine, which is neutral and non-polar, at codon 1116 of the TSC2 protein (p.Ala1116Val). This variant is not present in population databases (gnomAD no frequency). This variant has not been reported in the literature in individuals affected with TSC2-related conditions. ClinVar contains an entry for this variant (Variation ID: 282965). Invitae Evidence Modeling of protein sequence and biophysical properties (such as structural, functional, and spatial information, amino acid conservation, physicochemical variation, residue mobility, and thermodynamic stability) indicates that this missense variant is not expected to disrupt TSC2 protein function with a negative predictive value of 95%. RNA analysis performed to evaluate the impact of this missense change on mRNA splicing indicates it does not significantly alter splicing (internal data). In summary, the available evidence is currently insufficient to determine the role of this variant in disease. Therefore, it has been classified as a Variant of Uncertain Significance.

Ambry Genetics
Classification: Uncertain significance for Hereditary cancer-predisposing syndrome. Last evaluated: 2025-02-14. Review status: criteria provided, single submitter. Criteria: Ambry Variant Classification Scheme 2023. Collection method: clinical testing. Allele origin: germline.
Comment: The p.A1116V variant (also known as c.3347C>T), located in coding exon 28 of the TSC2 gene, results from a C to T substitution at nucleotide position 3347. The alanine at codon 1116 is replaced by valine, an amino acid with similar properties. This amino acid position is not well conserved in available vertebrate species. In addition, the in silico prediction for this alteration is inconclusive. Based on the available evidence, the clinical significance of this variant remains unclear.

Genome-Nilou Lab
Classification: Uncertain significance for Tuberous sclerosis 2. Last evaluated: 2021-11-07. Review status: criteria provided, single submitter. Criteria: ACMG Guidelines, 2015. Collection method: clinical testing. Allele origin: germline. Affected: no.

Eurofins Ntd Llc (ga)
Classification: Uncertain significance. Last evaluated: 2015-09-19. Review status: criteria provided, single submitter. Criteria: EGL Classification Definitions 2015. Collection method: clinical testing. Allele origin: germline. Observed: 1 variant allele, 1 heterozygote.